The following is an entry in ClinVar:

NM_004484.4(GPC3):c.118T>C (p.Ser40Pro)

Gene: GPC3 (glypican 3; minus strand). Cytogenetic location: Xq26.2.
Variant type: single nucleotide variant.
Coding change: c.118T>C on transcript NM_004484.4 (MANE Select); coding-DNA position 118, T replaced by C.
Protein change: p.Ser40Pro; replaces serine 40 with proline.
Molecular consequence: missense variant.
Genome position (GRCh38, 1-based): chrX:133,985,332, A>G on the plus strand (T>C on the coding strand, the complement: GPC3 is on the minus strand). VCF-style: chrX-133985332-A-G. GRCh37 (hg19) VCF-style: chrX-133119359-A-G.
Other names: c.118T>C, p.Ser40Pro (NM_001164617.2, NM_001164618.2, NM_001164619.2); short protein forms S40P.
Identifiers: ClinVar variation 1039655 (VCV001039655.10), dbSNP rs1238291553, ClinGen allele CA414706999.

ClinVar aggregate classification (germline): Uncertain significance. Review status: criteria provided, multiple submitters, no conflicts (2 of 4 stars). 2 submissions from 2 submitters: Uncertain significance (2). Last evaluated 2022-05-24.

Conditions:
Wilms tumor 1 (WT1). Also called: Wilms tumor, somatic. Identifiers: Orphanet 654, MedGen CN033288, MONDO:0008679, OMIM 194070.
Simpson-Golabi-Behmel syndrome type 1 (SGBS1). Also called: BULLDOG SYNDROME; GPC3-Related Simpson-Golabi-Behmel Syndrome Type 1; SIMPSON DYSMORPHIA SYNDROME; DYSPLASIA GIGANTISM SYNDROME, X-LINKED; GOLABI-ROSEN SYNDROME. Identifiers: Orphanet 373, MedGen C0796154, MONDO:0020602, OMIM 312870.

Allele frequency attached by ClinVar (database versions not stated): TOPMed below 0.00001; gnomAD 0.00001.
gnomAD v4.1: 1 of 1,208,394 alleles (0.000083%); highest among the groups gnomAD compares: African/African-American, 0.0017%; no homozygotes.

Submissions (2):

Fulgent Genetics
Classification: Uncertain significance for Wilms tumor 1; Simpson-Golabi-Behmel syndrome type 1. Last evaluated: 2022-05-24. Review status: criteria provided, single submitter. Criteria: ACMG Guidelines, 2015. Collection method: clinical testing. Allele origin: unknown.

Labcorp Genetics (formerly Invitae), Labcorp
Classification: Uncertain significance for Wilms tumor 1. Last evaluated: 2022-03-03. Review status: criteria provided, single submitter. Criteria: Invitae Variant Classification Sherloc (09022015). Collection method: clinical testing. Allele origin: germline.
Comment: In summary, the available evidence is currently insufficient to determine the role of this variant in disease. Therefore, it has been classified as a Variant of Uncertain Significance. Algorithms developed to predict the effect of missense changes on protein structure and function output the following: SIFT: "Tolerated"; PolyPhen-2: "Benign"; Align-GVGD: "Class C0". The proline amino acid residue is found in multiple mammalian species, which suggests that this missense change does not adversely affect protein function. ClinVar contains an entry for this variant (Variation ID: 1039655). This variant has not been reported in the literature in individuals affected with GPC3-related conditions. This variant is not present in population databases (gnomAD no frequency). This sequence change replaces serine, which is neutral and polar, with proline, which is neutral and non-polar, at codon 40 of the GPC3 protein (p.Ser40Pro).